The following is an entry in ClinVar:

NM_000240.4(MAOA):c.73+1G>C

Gene: MAOA (monoamine oxidase A; plus strand). Cytogenetic location: Xp11.3.
Variant type: single nucleotide variant.
Coding change: c.73+1G>C on transcript NM_000240.4 (MANE Select); the canonical splice donor site of the intron after coding-DNA position 73, G replaced by C.
Molecular consequence: splice donor variant.
Genome position (GRCh38, 1-based): chrX:43,656,415, G>C. VCF-style: chrX-43656415-G-C. GRCh37 (hg19) VCF-style: chrX-43515663-G-C.
Other names: c.-435+1G>C (NM_001270458.2).
Identifiers: ClinVar variation 3659338 (VCV003659338.2).

ClinVar aggregate classification (germline): Likely pathogenic (1 of 4 stars; one submission).

Conditions:
Brunner syndrome (BRNRS). Identifiers: Orphanet 3057, MedGen C0796275, MONDO:0010379, OMIM 300615.

Submission:

Labcorp Genetics (formerly Invitae), Labcorp
Classification: Likely pathogenic for Brunner syndrome. Last evaluated: 2024-07-12. Review status: criteria provided, single submitter. Criteria: Invitae Variant Classification Sherloc (09022015). Collection method: clinical testing. Allele origin: germline.
Comment: This sequence change affects a donor splice site in intron 1 of the MAOA gene. It is expected to disrupt RNA splicing. Variants that disrupt the donor or acceptor splice site typically lead to a loss of protein function (PMID: 16199547), and loss-of-function variants in MAOA are known to be pathogenic (PMID: 8211186). This variant is not present in population databases (gnomAD no frequency). This variant has not been reported in the literature in individuals affected with MAOA-related conditions. Algorithms developed to predict the effect of sequence changes on RNA splicing suggest that this variant may disrupt the consensus splice site. In summary, the currently available evidence indicates that the variant is pathogenic, but additional data are needed to prove that conclusively. Therefore, this variant has been classified as Likely Pathogenic.

Literature cited by the submitters: PubMed 16199547; PubMed 8211186.